The following continues an entry in ClinVar:

NM_000298.6(PKLR):c.1456C>T (p.Arg486Trp)

Gene: PKLR. ClinVar aggregate classification (germline): Pathogenic/Likely pathogenic. Pathogenic (26); Likely pathogenic (4).

Submissions 9 to 23 of 33:

Variantyx, Inc.
Classification: Pathogenic for Pyruvate kinase deficiency of red cells. Last evaluated: 2025-10-16. Review status: criteria provided, single submitter. Criteria: Variantyx Assertion Criteria 2022. Collection method: clinical testing. Allele origin: germline. Inheritance: Autosomal recessive inheritance. Affected: no.
Comment: This is a nonsynonymous variant in the PKLR gene (OMIM: 609712). Pathogenic variants in this gene have been associated with autosomal recessive pyruvate kinase deficiency. This variant has been reported in many unrelated affected individuals (PMID: 9827908, 18759866, 11328279, 28133914) (PS4_Very_Strong). Functional studies have shown that this variant alters PKLR protein function (PMID: 11960989) (PS3_Supporting), and multiple computational algorithms predict a deleterious effect for this variant (REVEL score: 0.914) (PP3_Moderate). This variant has a 0.4553% maximum allele frequency in non-founder control populations. Based on the current evidence, this variant is classified as pathogenic for autosomal recessive pyruvate kinase deficiency.

Mayo Clinic Laboratories, Mayo Clinic
Classification: Pathogenic. Last evaluated: 2025-09-05. Review status: criteria provided, single submitter. Criteria: ACMG Guidelines, 2015. Collection method: clinical testing. Allele origin: germline. Observed: 22 variant alleles.
Comment: PP3_moderate, PP4, PM1, PM3, PS4

Institute of Human Genetics, University of Leipzig Medical Center
Classification: Pathogenic for Pyruvate kinase deficiency of red cells. Last evaluated: 2025-07-07. Review status: criteria provided, single submitter. Criteria: ACMG Guidelines, 2015. Collection method: clinical testing. Allele origin: unknown. Inheritance: Autosomal recessive inheritance. Affected: yes.
Comment: Criteria applied: PS4,PM3,PS3_SUP,PM1_SUP,PM5_SUP,PP3

First Genomix Gene Laboratory, Genetic Diagnostics Department
Classification: Pathogenic for Pyruvate kinase deficiency of red cells. Last evaluated: 2025-04-14. Review status: criteria provided, single submitter. Criteria: ACMG Guidelines, 2015. Collection method: clinical testing. Allele origin: germline. Inheritance: Autosomal recessive inheritance. Affected: no. Observed: 1 variant allele.

ARUP Laboratories, Molecular Genetics and Genomics, ARUP Laboratories
Classification: Pathogenic. Last evaluated: 2025-03-06. Review status: criteria provided, single submitter. Criteria: ARUP Molecular Germline Variant Investigation Process 2024. Collection method: clinical testing. Allele origin: germline.
Comment: The PKLR c.1456C>T; p.Arg486Trp variant (rs116100695, ClinVar Variation ID: 1513) is commonly reported in the literature as compound heterozygous variant in individuals with pyruvate kinase deficiency (Baronciani 1993, Baronciani 1995, Canu 2020, Jamwal 2020, Kedar 2009, Lenzner 1997, Manco 2000, Zanella 2001, Zarza 1998). This variant is found in the general population with an overall allele frequency of 0.3% (833/282,498 alleles, including two homozygotes) in the Genome Aggregation Database (v2.1.1.). Structural and functional analysis of the variant protein show a moderate decrease in the catalytic efficiency (Valentini 2002). Computational analyses predict that this variant is deleterious (REVEL 0.914). Based on available information, this variant is considered to be pathogenic. References: Baronciani L et al. Analysis of pyruvate kinase-deficiency mutations that produce nonspherocytic hemolytic anemia. Proc Natl Acad Sci U S A. 1993 May 1. PMID: 8483951. Baronciani L et al. Molecular study of pyruvate kinase deficient patients with hereditary nonspherocytic hemolytic anemia. J Clin Invest. 1995 Apr. PMID: 7706479. Canu G et al. Identification and in silico characterization of a novel PKLR genotype in a Turkish newborn. Mol Biol Rep. 2020 Oct. PMID: 32974842. Jamwal M et al. Next-Generation Sequencing-Based Diagnosis of Unexplained Inherited Hemolytic Anemias Reveals Wide Genetic and Phenotypic Heterogeneity. J Mol Diagn. 2020 Apr. PMID: 32036089. Kedar P et al. Spectrum of novel mutations in the human PKLR gene in pyruvate kinase-deficient Indian patients with heterogeneous clinical phenotypes. Clin Genet. 2009 Feb. PMID: 18759866. Lenzner C et al. Molecular analysis of 29 pyruvate kinase-deficient patients from central Europe with hereditary hemolytic anemia. Blood. 1997 Mar 1. PMID: 9057665. Milanesio B et al. Six novel variants in the PKLR gene associated with pyruvate kinase deficiency in Argentinian patients. Clin Biochem. 2021 May. PMID: 33631127. Valentini G et al. Structure and function of human erythrocyte pyruvate kinase. Molecular basis of nonspherocytic hemolytic anemia. J Biol Chem. 2002 Jun 28. PMID: 11960989. Zanella A et al. Molecular characterization of the PK-LR gene in sixteen pyruvate kinase-deficient patients. Br J Haematol. 2001 Apr. PMID: 11328279. Zarza R et al. Molecular characterization of the PK-LR gene in pyruvate kinase deficient Spanish patients. Red Cell Pathology Group of the Spanish Society of Haematology (AEHH). Br J Haematol. 1998 Nov. PMID: 9827908.

Center for Genomic Medicine, Rigshospitalet, Copenhagen University Hospital
Classification: Pathogenic. Last evaluated: 2025-03-04. Review status: criteria provided, single submitter. Criteria: ACMG Guidelines, 2015. Collection method: clinical testing. Allele origin: germline.

Revvity Omics, Revvity
Classification: Pathogenic. Last evaluated: 2024-12-30. Review status: criteria provided, single submitter. Criteria: ACMG Guidelines, 2015. Collection method: clinical testing. Allele origin: germline.

Blueprint Genetics
Classification: Pathogenic for PKLR-related disorders. Last evaluated: 2024-11-25. Review status: criteria provided, single submitter. Criteria: ACMG Guidelines, 2015. Collection method: clinical testing. Allele origin: germline. Affected: yes. Observed: 5 variant alleles.

Genomic Medicine Center of Excellence, King Faisal Specialist Hospital and Research Centre
Classification: Pathogenic for Pyruvate kinase deficiency of red cells. Last evaluated: 2024-03-29. Review status: criteria provided, single submitter. Criteria: ACMG Guidelines, 2015. Collection method: clinical testing. Allele origin: germline.

Department of Pediatrics, Duzce University
Classification: Pathogenic for Pyruvate kinase deficiency of red cells. Last evaluated: 2024-02-12. Review status: criteria provided, single submitter. Criteria: ACMG Guidelines, 2015. Collection method: research. Allele origin: germline. Inheritance: Autosomal dominant inheritance. Affected: yes.
Comment: Well-characterised missense variant p.(Arg486Trp) (R486W), one of the most common pathogenic PKLR alleles in pyruvate kinase deficiency, described as a known pathogenic variant with published computational and functional support for reduced pyruvate kinase activity (Canu et al., Mol Biol Rep 2020; DOI 10.1007/s11033-020-05836-2) (PS3). Recurrently identified in affected individuals (PS4); rare in population databases (PM2_supporting); deleterious in silico predictions (PP3). Applied ACMG/AMP criteria: PS3, PS4, PM2_supporting, PP3. Classification: Pathogenic.

Women's Health and Genetics/Laboratory Corporation of America, LabCorp
Classification: Pathogenic for Pyruvate kinase deficiency of red cells. Last evaluated: 2023-11-10. Review status: criteria provided, single submitter. Criteria: LabCorp Variant Classification Summary - May 2015. Collection method: clinical testing. Allele origin: germline.
Comment: Variant summary: PKLR c.1456C>T (p.Arg486Trp) results in a non-conservative amino acid change located in the Pyruvate Kinase C terminal domain (IPR015795) of the encoded protein sequence. Five of five in-silico tools predict a damaging effect of the variant on protein function. The variant allele was found at a frequency of 0.003 in 251132 control chromosomes in the gnomAD database, including 2 homozygotes. c.1456C>T has been reported in the literature in multiple homozygous and compound heterozygous individuals affected with moderate to severe Pyruvate Kinase Deficiency Of Red Cells (examples: Zanella_1997, Pastore_1998, Pissard_2006 ). These data indicate that the variant is very likely to be associated with disease. One publication reports experimental evidence that this variant moderately affects PKLR function (example: Valentini_2002). Fifteen submitters have cited clinical-significance assessments for this variant to ClinVar after 2014. All submitters classified the variant as pathogenic/likely pathogenic. Based on the evidence outlined above, the variant was classified as pathogenic.

Neuberg Centre For Genomic Medicine, NCGM
Classification: Pathogenic for Pyruvate kinase deficiency of red cells. Last evaluated: 2023-05-20. Review status: criteria provided, single submitter. Criteria: ACMG Guidelines, 2015. Collection method: clinical testing. Allele origin: germline. Inheritance: Autosomal recessive inheritance. Affected: yes.
Comment: The observed missense c.1456C>T(p.Arg486Trp) variant in PKLR gene has been reported previously in homozygous or compound heterozygous state in individual(s) affected with Pyruvate kinase deficiency (PKD) (Dongerdiye et al., 2023). Experimental studies have shown that this variant moderately affects PKLR function (Valentini et al., 2002). This variant is reported with the allele frequency of 0.3% in the gnomAD Exomes. This variant has been reported to the ClinVar database as Likely Pathogenic / Pathogenic (multiple submitters). The amino acid Arg at position 486 is changed to a Trp changing protein sequence and it might alter its composition and physico-chemical properties. The amino acid change p.Arg486Trp in PKLR is predicted as conserved by GERP++ and PhyloP across 100 vertebrates. Multiple lines of computational evidence (Polyphen - Possibly Damaging, SIFT - Damaging, and MutationTaster - Disease causing automatic) predict a damaging effect on protein structure and function for this variant. For these reasons, this variant has been classified as Pathogenic.

Clinical Genetics Laboratory, Skane University Hospital Lund
Classification: Pathogenic. Last evaluated: 2022-07-05. Review status: criteria provided, single submitter. Criteria: ACMG Guidelines, 2015. Collection method: clinical testing. Allele origin: germline. Affected: yes.

Fulgent Genetics
Classification: Pathogenic for Pyruvate kinase hyperactivity; Pyruvate kinase deficiency of red cells. Last evaluated: 2022-05-28. Review status: criteria provided, single submitter. Criteria: ACMG Guidelines, 2015. Collection method: clinical testing. Allele origin: unknown.

Mendelics
Classification: Pathogenic for Pyruvate kinase hyperactivity. Last evaluated: 2022-05-04. Review status: criteria provided, single submitter. Criteria: Mendelics Assertion Criteria 2019. Collection method: clinical testing. Allele origin: germline.